The following is an entry in ClinVar:

ClinVar aggregate classification (germline): Uncertain significance. Review status: criteria provided, multiple submitters, no conflicts (2 of 4 stars). 2 submissions from 2 submitters: Uncertain significance (2). Last evaluated 2024-09-15.

Conditions:
Neurodegeneration, childhood-onset, with cerebellar atrophy. Identifiers: MedGen C4748934, MONDO:0032650, OMIM 618276.

Allele frequency attached by ClinVar (database versions not stated): 1000 Genomes Project 30x 0.00078; gnomAD 0.00080; TOPMed 0.00096; 1000 Genomes Project 0.00100; gnomAD exomes 0.00031; ExAC 0.00035; ESP Exome Variant Server 0.00077.
gnomAD v4.1: 617 of 1,610,636 alleles (0.038%); highest among the groups gnomAD compares: African/African-American, 0.21%; no homozygotes.

Submissions (2):

Clinical Genomics Laboratory, Washington University in St. Louis
Classification: Uncertain significance for Neurodegeneration, childhood-onset, with cerebellar atrophy. Last evaluated: 2024-09-15. Review status: criteria provided, single submitter. Criteria: ACMG Guidelines, 2015. Collection method: clinical testing. Allele origin: germline.
Comment: The AGTPBP1 c.3206G>T (p.Cys1069Phe) variant, to our knowledge, has not been reported in the medical literature. The highest population minor allele frequency in the population database genome aggregation database (v.2.1.1) is 0.17% in the African population. Computational predictors suggest that the variant does not impact AGTPBP1 function. This variant has been reported in the ClinVar database as a germline variant of uncertain significance by one submitter. Due to limited information, and based on ACMG/AMP guidelines for variant interpretation (Richards S et al., PMID: 25741868), the clinical significance of this variant is uncertain at this time.

Revvity Omics, Revvity
Classification: Uncertain significance for Neurodegeneration, childhood-onset, with cerebellar atrophy. Last evaluated: 2022-03-29. Review status: criteria provided, single submitter. Criteria: ACMG Guidelines, 2015. Collection method: clinical testing. Allele origin: germline.

NM_001330701.2(AGTPBP1):c.3206G>T (p.Cys1069Phe)

Gene: AGTPBP1 (ATP/GTP binding carboxypeptidase 1; minus strand). Cytogenetic location: 9q21.33.
Variant type: single nucleotide variant.
Coding change: c.3206G>T on transcript NM_001330701.2 (MANE Select); coding-DNA position 3206, G replaced by T.
Protein change: p.Cys1069Phe; replaces cysteine 1069 with phenylalanine.
Molecular consequence: missense variant.
Genome position (GRCh38, 1-based): chr9:85,579,056, C>A on the plus strand (G>T on the coding strand, the complement: AGTPBP1 is on the minus strand). VCF-style: chr9-85579056-C-A. GRCh37 (hg19) VCF-style: chr9-88193971-C-A.
Other names: c.3362G>T, p.Cys1121Phe (NM_001286715.1); c.3242G>T, p.Cys1081Phe (NM_001286717.1); c.3086G>T, p.Cys1029Phe (NM_015239.3); short protein forms C1029F, C1069F, C1081F, C1121F.
Identifiers: ClinVar variation 2438929 (VCV002438929.4), dbSNP rs148724007, ClinGen allele CA5106132.